The following is an entry in ClinVar:

ClinVar aggregate classification (germline): Pathogenic/Likely pathogenic. Review status: criteria provided, multiple submitters, no conflicts (2 of 4 stars). 3 submissions from 3 submitters: Pathogenic (1); Likely pathogenic (2). Last evaluated 2025-06-09.

Conditions:
Primary dilated cardiomyopathy (DCM). Also called: Dilated Cardiomyopathy. Identifiers: Orphanet 217604, MedGen C0007193, MeSH D002311, MONDO:0005021, HP:0001644. Inheritance: Various modes of inheritance.
Cardiovascular phenotype. Identifiers: MedGen CN230736.

Submissions (3):

GeneDx
Classification: Likely pathogenic. Last evaluated: 2025-06-09. Review status: criteria provided, single submitter. Criteria: GeneDx Variant Classification Process June 2021. Collection method: clinical testing. Allele origin: germline. Affected: yes.
Comment: Nonsense variant predicted to result in protein truncation or nonsense mediated decay in a gene for which loss of function is a known mechanism of disease; Not observed at significant frequency in large population cohorts (gnomAD); This variant is associated with the following publications: (PMID: 22335739, 32778822)

Ambry Genetics
Classification: Pathogenic for Cardiovascular phenotype. Last evaluated: 2023-09-21. Review status: criteria provided, single submitter. Criteria: Ambry Variant Classification Scheme 2023. Collection method: clinical testing. Allele origin: germline.
Comment: The p.Q18265* pathogenic mutation (also known as c.54793C>T), located in coding exon 153 of the TTN gene, results from a C to T substitution at nucleotide position 54793. This changes the amino acid from a glutamine to a stop codon within coding exon 153. This exon is located in the A-band region of the N2-B isoform of the titin protein and is constitutively expressed in TTN transcripts (percent spliced in or PSI 100%). This variant has been detected in probands with dilated cardiomyopathy and was indicated to segregate with disease in one family (Herman DS et al. N Engl J Med, 2012 Feb;366:619-28). This variant is considered to be rare based on population cohorts in the Genome Aggregation Database (gnomAD). This alteration is expected to result in loss of function by premature protein truncation or nonsense-mediated mRNA decay. While truncating variants in TTN are present in 1-3% of the general population, truncating variants in the A-band are the most common cause of dilated cardiomyopathy (DCM) (Herman DS et al. N. Engl. J. Med., 2012 Feb;366:619-28; Roberts AM et al. Sci Transl Med, 2015 Jan;7:270ra6). TTN truncating variants encoded in constitutive exons (PSI >90%) have been found to be significantly associated with DCM regardless of their position in titin (Schafer S et al. Nat. Genet., 2017 01;49:46-53). Based on the supporting evidence, this alteration is interpreted as a disease-causing mutation.

Laboratory for Molecular Medicine, Mass General Brigham Personalized Medicine
Classification: Likely pathogenic for Primary dilated cardiomyopathy. Last evaluated: 2013-09-18. Review status: criteria provided, single submitter. Criteria: ACMG Guidelines, 2015. Collection method: clinical testing. Allele origin: germline. Inheritance: Autosomal dominant inheritance.
Comment: The Gln24762X variant in TTN has been reported in 1 adult with DCM, segregated with disease in 2 affected relative (C. Seidman, personal communication) and has not been identified in large population studies. This nonsense variant leads to a premature termination codon at position 24762, which is predicted to lead to a truncated or absent protein. Truncating variants in TTN are strongly associated with DCM and the majority occur in the A-band (Herman 2012, LMM unpublished data), where this variant is located. In summary, this variant is likely to be pathogenic, though additional studies are required to fully establish its clinical significance.

Literature cited by the submitters: PubMed 22335739 (cited by Ambry Genetics).

NM_001267550.2(TTN):c.81988C>T (p.Gln27330Ter)

Genes: TTN (titin; minus strand), TTN-AS1 (TTN antisense RNA 1; plus strand). Cytogenetic location: 2q31.2.
Variant type: single nucleotide variant.
Coding change: c.81988C>T on transcript NM_001267550.2 (MANE Select); coding-DNA position 81988, C replaced by T.
Protein change: p.Gln27330Ter; replaces glutamine 27330 with a stop codon.
Molecular consequence: nonsense.
Genome position (GRCh38, 1-based): chr2:178,564,144, G>A on the plus strand (C>T on the coding strand, the complement: TTN is on the minus strand). VCF-style: chr2-178564144-G-A. GRCh37 (hg19) VCF-style: chr2-179428871-G-A.
Other names: c.77065C>T, p.Gln25689Ter (NM_001256850.1); c.54793C>T, p.Gln18265Ter (NM_003319.4); c.74284C>T, p.Gln24762Ter (NM_133378.4); c.55168C>T, p.Gln18390Ter (NM_133432.3); c.55369C>T, p.Gln18457Ter (NM_133437.4); short protein forms Q18265*, Q18390*, Q18457*, Q24762*, Q25689*, Q27330*.
Identifiers: ClinVar variation 3076000 (VCV003076000.3), dbSNP rs1205501595, ClinGen allele CA349576247.